The following is an entry in ClinVar:

NM_018389.5(SLC35C1):c.200C>T (p.Ser67Phe)

Gene: SLC35C1 (solute carrier family 35 member C1; plus strand). Cytogenetic location: 11p11.2.
Variant type: single nucleotide variant.
Coding change: c.200C>T on transcript NM_018389.5 (MANE Select); coding-DNA position 200, C replaced by T.
Protein change: p.Ser67Phe; replaces serine 67 with phenylalanine.
Molecular consequence: missense variant.
Genome position (GRCh38, 1-based): chr11:45,806,001, C>T. VCF-style: chr11-45806001-C-T. GRCh37 (hg19) VCF-style: chr11-45827552-C-T.
Other names: c.161C>T, p.Ser54Phe (NM_001145265.2, NM_001145266.2); short protein forms S54F, S67F.
Identifiers: ClinVar variation 862619 (VCV000862619.7), dbSNP rs554958653, ClinGen allele CA221585083.

ClinVar aggregate classification (germline): Uncertain significance. Review status: criteria provided, multiple submitters, no conflicts (2 of 4 stars). 2 submissions from 2 submitters: Uncertain significance (2). Last evaluated 2022-09-13.

Conditions:
Inborn genetic diseases. Identifiers: MedGen C0950123, MeSH D030342.
Leukocyte adhesion deficiency type II. Also called: Congenital disorder of glycosylation type 2C; CDG 2C; Leukocyte adhesion deficiency type 2; Rambam Hasharon syndrome; CDG IIc; CONGENITAL DISORDER OF GLYCOSYLATION, TYPE IIc. Identifiers: Orphanet 2968, Orphanet 99843, MedGen C0398739, MONDO:0009953, OMIM 266265.

Allele frequency attached by ClinVar (database versions not stated): gnomAD exomes 0.00001.

Submissions (2):

Labcorp Genetics (formerly Invitae), Labcorp
Classification: Uncertain significance for Leukocyte adhesion deficiency type II. Last evaluated: 2022-09-13. Review status: criteria provided, single submitter. Criteria: Invitae Variant Classification Sherloc (09022015). Collection method: clinical testing. Allele origin: germline.
Comment: This sequence change replaces serine, which is neutral and polar, with phenylalanine, which is neutral and non-polar, at codon 67 of the SLC35C1 protein (p.Ser67Phe). This variant is not present in population databases (gnomAD no frequency). This variant has not been reported in the literature in individuals affected with SLC35C1-related conditions. ClinVar contains an entry for this variant (Variation ID: 862619). Algorithms developed to predict the effect of missense changes on protein structure and function are either unavailable or do not agree on the potential impact of this missense change (SIFT: "Deleterious"; PolyPhen-2: "Benign"; Align-GVGD: "Class C0"). In summary, the available evidence is currently insufficient to determine the role of this variant in disease. Therefore, it has been classified as a Variant of Uncertain Significance.

Ambry Genetics
Classification: Uncertain significance for Inborn genetic diseases. Last evaluated: 2021-09-17. Review status: criteria provided, single submitter. Criteria: Ambry Variant Classification Scheme 2023. Collection method: clinical testing. Allele origin: germline.